The following is an entry in ClinVar:

NM_002661.5(PLCG2):c.62C>T (p.Ala21Val)

Gene: PLCG2 (phospholipase C gamma 2; plus strand). Cytogenetic location: 16q23.3.
Variant type: single nucleotide variant.
Coding change: c.62C>T on transcript NM_002661.5 (MANE Select); coding-DNA position 62, C replaced by T.
Protein change: p.Ala21Val; replaces alanine 21 with valine.
Molecular consequence: missense variant.
Genome position (GRCh38, 1-based): chr16:81,786,051, C>T. VCF-style: chr16-81786051-C-T. GRCh37 (hg19) VCF-style: chr16-81819656-C-T.
Other names: c.62C>T, p.Ala21Val (NM_001425749.1, NM_001425750.1, NM_001425751.1); short protein forms A21V.
Identifiers: ClinVar variation 3235015 (VCV003235015.1), dbSNP rs2507343856, ClinGen allele CA396895392.
Genomic context (GRCh38, chr16:81,786,051, plus strand): 5'-TGTCCACCACGGTCAATGTAGATTCCCTTGCGGAATATGAGAAGAGCCAGATCAAGAGAG[C>T]CCTGGAGCTGGGGACGGTGATGACTGTGTTCAGCTTCCGCAAGTCCACCCCCGAGCGGAG-3'
Protein context (NP_002652.2, residues 11-31): AEYEKSQIKR[Ala21Val]LELGTVMTVF

ClinVar aggregate classification (germline): Uncertain significance (1 of 4 stars; one submission).

Conditions:
Autoinflammation-PLCG2-associated antibody deficiency-immune dysregulation. Also called: Autoinflammation, antibody deficiency, and immune dysregulation, plcg2-associated; AUTOINFLAMMATION, ANTIBODY DEFICIENCY, AND IMMUNE DYSREGULATION; Autoinflammation, antibody deficiency, and immune dysregulation syndrome. Identifiers: Orphanet 324530, MedGen C3553961, MONDO:0013944, OMIM 614878.

Submission:

Neuberg Centre For Genomic Medicine, NCGM
Classification: Uncertain significance for Autoinflammation-PLCG2-associated antibody deficiency-immune dysregulation. Review status: criteria provided, single submitter. Criteria: ACMG Guidelines, 2015. Collection method: clinical testing. Allele origin: germline. Inheritance: Autosomal dominant inheritance. Affected: yes.
Comment: The missense c.62C>Tp.Ala21Val variant in PLCG2 gene has not been reported previously as a pathogenic variant nor a benign variant, to our knowledge. The p.Ala21Val variant is novel not in any individuals in gnomAD Exomes and 1000 Genomes. This variant has not been reported to the ClinVar database. The amino acid change p.Ala21Val in PLCG2 is predicted as conserved by GERP++ and PhyloP across 100 vertebrates. The amino acid Ala at position 21 is changed to a Val changing protein sequence and it might alter its composition and physico-chemical properties. For these reasons, this variant has been classified as a Variant of Uncertain Significance VUS.